The following is an entry in ClinVar:

ClinVar aggregate classification (germline): Uncertain significance (1 of 4 stars; one submission).

Conditions:
Neurodevelopmental disorder with severe motor impairment and absent language. Also called: NEURODEVELOPMENTAL DISORDER WITH VARIABLE MOTOR AND LANGUAGE IMPAIRMENT. Identifiers: Orphanet 647788, MedGen C4540496, MONDO:0060622, OMIM 617804.

gnomAD v4.1: 1 of 1,614,086 alleles (0.000062%); highest among the groups gnomAD compares: South Asian, 0.0011%; no homozygotes.

Submission:

Dasa
Classification: Uncertain significance for Neurodevelopmental disorder with severe motor impairment and absent language. Last evaluated: 2025-12-29. Review status: criteria provided, single submitter. Criteria: DASA Assertion Criteria. Collection method: clinical testing. Allele origin: germline.
Comment: NM_138615.3(DHX30):c.434G>A (p.Arg145His) is a missense variant that results in the substitution of arginine with histidine. This variant is absent from population databases. Computational prediction algorithms are consistent with a benign effect. The currently available literature and clinical evidence are not sufficient to establish a definitive association between this variant and the reported condition. Therefore, this variant is classified as a variant of uncertain significance.

NM_138615.3(DHX30):c.434G>A (p.Arg145His)

Gene: DHX30 (DExH-box helicase 30; plus strand). Cytogenetic location: 3p21.31.
Variant type: single nucleotide variant.
Coding change: c.434G>A on transcript NM_138615.3 (MANE Select); coding-DNA position 434, G replaced by A.
Protein change: p.Arg145His; replaces arginine 145 with histidine.
Molecular consequence: missense variant.
Genome position (GRCh38, 1-based): chr3:47,840,944, G>A. VCF-style: chr3-47840944-G-A. GRCh37 (hg19) VCF-style: chr3-47882434-G-A.
Other names: c.350G>A, p.Arg117His (NM_001330990.2); c.317G>A, p.Arg106His (NM_014966.4); short protein forms R106H, R117H, R145H.
Identifiers: ClinVar variation 4882108 (VCV004882108.2).